The following is an entry in ClinVar:

ClinVar aggregate classification (germline): Uncertain significance (1 of 4 stars; one submission).

Conditions:
Hereditary cancer-predisposing syndrome. Also called: Neoplastic Syndromes, Hereditary; Tumor predisposition; Hereditary Cancer Syndrome; Hereditary neoplastic syndrome. Identifiers: Orphanet 140162, MedGen C0027672, MeSH D009386, MONDO:0015356.

Submission:

Ambry Genetics
Classification: Uncertain significance for Hereditary cancer-predisposing syndrome. Last evaluated: 2025-10-11. Review status: criteria provided, single submitter. Criteria: Ambry Variant Classification Scheme 2023. Collection method: clinical testing. Allele origin: germline.
Comment: The p.I687K variant (also known as c.2060T>A), located in coding exon 12 of the PMS2 gene, results from a T to A substitution at nucleotide position 2060. The isoleucine at codon 687 is replaced by lysine, an amino acid with dissimilar properties. This amino acid position is conserved. In addition, this alteration is predicted to be deleterious by in silico analysis. Based on the available evidence, the clinical significance of this variant remains unclear.

NM_000535.7(PMS2):c.2060T>A (p.Ile687Lys)

Gene: PMS2 (PMS1 homolog 2, mismatch repair system component; minus strand). Cytogenetic location: 7p22.1.
Variant type: single nucleotide variant.
Coding change: c.2060T>A on transcript NM_000535.7 (MANE Select); coding-DNA position 2060, T replaced by A.
Protein change: p.Ile687Lys; replaces isoleucine 687 with lysine.
Molecular consequence: missense variant. On other transcripts: non-coding transcript variant (1), intron variant (4).
Genome position (GRCh38, 1-based): chr7:5,982,938, A>T on the plus strand (T>A on the coding strand, the complement: PMS2 is on the minus strand). VCF-style: chr7-5982938-A-T. GRCh37 (hg19) VCF-style: chr7-6022569-A-T.
Other names: c.1655T>A, p.Ile552Lys (NM_001322003.2, NM_001322004.2, NM_001322005.2 and 14 more transcripts); c.1904T>A, p.Ile635Lys (NM_001322006.2, NM_001406870.1); c.1742T>A, p.Ile581Lys (NM_001322007.2, NM_001322008.2, NM_001406876.1 and 1 more transcripts); c.1499T>A, p.Ile500Lys (NM_001322010.2, NM_001406906.1, NM_001406907.1); c.1127T>A, p.Ile376Lys (NM_001322011.2, NM_001322012.2); c.1487T>A, p.Ile496Lys (NM_001322013.2, NM_001406909.1); c.2060T>A, p.Ile687Lys (NM_001322014.2, NM_001406871.1); c.1751T>A, p.Ile584Lys (NM_001322015.2, NM_001406875.1, NM_001406877.1 and 5 more transcripts); and 16 more; short protein forms I430K, I552K, I575K, I376K, I529K, I579K, I621K, I749K.
Identifiers: ClinVar variation 4667367 (VCV004667367.1).